The following is an entry in ClinVar:

ClinVar aggregate classification (germline): Conflicting classifications of pathogenicity. Review status: criteria provided, conflicting classifications (1 of 4 stars). 4 submissions from 4 submitters: Likely pathogenic (1); Uncertain significance (1); Benign (1). 1 of the submissions does not count toward it. Last evaluated 2024-02-01.

Conditions:
Pigmented nodular adrenocortical disease, primary, 2 (PPNAD2). Also called: PIGMENTED MICRONODULAR ADRENOCORTICAL DISEASE, PRIMARY, 2; CUSHING SYNDROME, ADRENAL, DUE TO PPNAD2. Identifiers: Orphanet 189439, MedGen C1864851, MONDO:0012505, OMIM 610475.

Submissions (4):

CeGaT Center for Human Genetics Tuebingen
Classification: Benign. Last evaluated: 2024-02-01. Review status: criteria provided, single submitter. Criteria: CeGaT Center For Human Genetics Tuebingen Variant Classification Criteria Version 2. Collection method: clinical testing. Allele origin: germline. Affected: yes. Observed: 1 variant allele.
Comment: PDE11A: BS1, BS2

Department of Pathology and Laboratory Medicine, Sinai Health System
Classification: Uncertain significance for Pigmented nodular adrenocortical disease, primary, 2. Last evaluated: 2023-07-26. Review status: criteria provided, single submitter. Criteria: ACMG Guidelines, 2015. Collection method: research. Allele origin: germline.

Soonchunhyang University Bucheon Hospital, Soonchunhyang University Medical Center
Classification: Likely pathogenic for Pigmented nodular adrenocortical disease, primary, 2. Last evaluated: 2016-03-18. Review status: criteria provided, single submitter. Criteria: ACMG Guidelines, 2015. Collection method: reference population. Allele origin: germline. Observed: 2 variant alleles.

Reproductive Health Research and Development, BGI Genomics
Classification: Uncertain significance for Pigmented nodular adrenocortical disease, primary, 2. Last evaluated: 2020-01-06. Review status: no assertion criteria provided. Collection method: curation. Allele origin: germline. Not counted in ClinVar's aggregate classification.
Comment: NM_001077197.1:c.20_21delGA in PDE11A gene has an allele frequency of 0.013 in European (Finnish) subpopulation in the gnomAD database. This variant is expected to result in an absent or disrupted protein product. The current clinical and genetic evidence is not sufficient to establish whether loss-of-function variants in PDE11A cause disease. The available evidence is currently insufficient to determine the role of this variant in disease. Therefore, it has been classified as a Variant of Uncertain Significance. ACMG/AMP criteria applied: BS1.

Literature cited by the submitters: PubMed 16767104 (cited by Soonchunhyang University Bucheon Hospital, Soonchunhyang University Medical Center).

NM_001077197.2(PDE11A):c.20_21del (p.Arg7fs)

Gene: PDE11A (phosphodiesterase 11A; minus strand). Cytogenetic location: 2q31.2.
Variant type: Deletion.
Coding change: c.20_21del on transcript NM_001077197.2; coding-DNA positions 20 to 21, 2 bases deleted (GA; older notation c.20_21delGA).
Protein change: p.Arg7fs; shifts the reading frame from arginine 7.
Molecular consequence: frameshift variant.
Genome position (GRCh38, 1-based): chr2:178,104,443-178,104,444, TC deleted on the plus strand (GA on the coding strand, the reverse complement: PDE11A is on the minus strand); deleting any 2 consecutive bases within chr2:178,104,443-178,104,445 gives the same sequence; the c. name uses the placement nearest the transcript's 3' end. VCF-style (leftmost placement, unchanged base first): chr2-178104442-GTC-G. GRCh37 (hg19) VCF-style: chr2-178969169-GTC-G.
Other names: c.20_21delGA (NM_001077197.1); short protein forms R7fs.
Identifiers: ClinVar variation 225432 (VCV000225432.25), dbSNP rs202117698, ClinGen allele CA1982392.